The following is an entry in ClinVar:

NM_000059.4(BRCA2):c.1013del (p.Ala338fs)

Gene: BRCA2 (BRCA2 DNA repair associated; plus strand). Cytogenetic location: 13q13.1.
Variant type: Deletion.
Coding change: c.1013del on transcript NM_000059.4 (MANE Select); coding-DNA position 1013, one base deleted (C; older notation c.1013delC).
Protein change: p.Ala338fs; shifts the reading frame from alanine 338.
Molecular consequence: frameshift variant.
Genome position (GRCh38, 1-based): chr13:32,332,491, C deleted. VCF-style (leftmost placement, unchanged base first): chr13-32332490-GC-G. GRCh37 (hg19) VCF-style: chr13-32906627-GC-G.
Other names: c.1013delC (NM_000059.3); short protein forms A338fs.
Identifiers: ClinVar variation 1195888 (VCV001195888.5), dbSNP rs2137466855, ClinGen allele CA2499222073.
Genomic context (GRCh38, chr13:32,332,490, plus strand): 5'-AAAAATCTACAAAAAGTAAGAACTAGCAAGACTAGGAAAAAAATTTTCCATGAAGCAAAC[GC>G]TGATGAATGTGAAAAATCTAAAAACCAAGTGAAAGAAAAATACTCATTTGTATCTGAAGT-3'

ClinVar aggregate classification (germline): Pathogenic. Review status: criteria provided, single submitter (1 of 4 stars). 2 submissions from 2 submitters: Pathogenic (1). 1 of the submissions does not count toward it. Last evaluated 2026-05-20.

Conditions:
Hereditary cancer-predisposing syndrome. Also called: Neoplastic Syndromes, Hereditary; Tumor predisposition; Hereditary Cancer Syndrome; Hereditary neoplastic syndrome. Identifiers: Orphanet 140162, MedGen C0027672, MeSH D009386, MONDO:0015356.
Breast carcinoma. Also called: Carcinoma of breast. Identifiers: MedGen C0678222, MONDO:0004989, HP:0003002.

Submissions (2):

Ambry Genetics
Classification: Pathogenic for Hereditary cancer-predisposing syndrome. Last evaluated: 2026-05-20. Review status: criteria provided, single submitter. Criteria: Ambry Variant Classification Scheme 2023. Collection method: clinical testing. Allele origin: germline.
Comment: The c.1013delC pathogenic mutation, located in coding exon 9 of the BRCA2 gene, results from a deletion of one nucleotide at nucleotide position 1013, causing a translational frameshift with a predicted alternate stop codon (p.A338Vfs*11). This variant is considered to be rare based on population cohorts in the Genome Aggregation Database (gnomAD). This alteration is expected to result in loss of function by premature protein truncation or nonsense-mediated mRNA decay. As such, this alteration is interpreted as a disease-causing mutation.

Medical Genetics Laboratory, Umraniye Training and Research Hospital, University of Health Sciences
Classification: Pathogenic for Breast carcinoma. Last evaluated: 2021-08-12. Review status: no assertion criteria provided. Collection method: clinical testing. Allele origin: germline. Inheritance: Autosomal dominant inheritance. Affected: yes. Not counted in ClinVar's aggregate classification.
Comment: Diagnosis: Breast cancer Pathology: Invasive Ductal Ca IHC: ER:+ , PR:+ , HER2:- , KI67:%20